The following is an entry in ClinVar:

NC_012920.1(MT-CO2):m.7649A>G

Gene: MT-CO2 (mitochondrially encoded cytochrome c oxidase II; plus strand).
Variant type: single nucleotide variant.
Genome position: chrM-7649-A-G.
Identifiers: ClinVar variation 692753 (VCV000692753.2), dbSNP rs1603221060, ClinGen allele CA414793140.

ClinVar aggregate classification (germline): Likely benign. Review status: criteria provided, multiple submitters, no conflicts (2 of 4 stars). 2 submissions from 2 submitters: Likely benign (2). Last evaluated 2025-02-16.

Conditions:
Leigh syndrome (NULS). Also called: Leigh's necrotizing encephalopathy; Leigh's disease; Leigh Syndrome (mtDNA deletion); Leigh Disease; Subacute necrotizing encephalopathy; Necrotizing encephalopathy infantile subacute of Leigh. Identifiers: Orphanet 506, MedGen C2931891, MONDO:0009723, OMIM 256000.

Submissions (2):

Laboratory of Genetics, Children's Clinical University Hospital Latvia
Classification: Likely benign. Last evaluated: 2025-02-16. Review status: criteria provided, single submitter. Criteria: ACMG Guidelines, 2015. Collection method: clinical testing. Allele origin: germline. Affected: yes.

Wong Mito Lab, Molecular and Human Genetics, Baylor College of Medicine
Classification: Likely benign for Leigh syndrome. Last evaluated: 2019-10-17. Review status: criteria provided, single submitter. Criteria: Modified ACMG Guidelines (Unpublished). Collection method: clinical testing. Allele origin: germline.
Comment: The NC_012920.1:m.7649A>G (YP_003024029.1:p.Thr22Ala) variant in MTCO2 gene is interpretated to be a Likely Benign variant based on the modified ACMG guidelines (unpublished). This variant meets the following evidence codes: BS4, BP4